The following is an entry in ClinVar:

NM_003587.5(DHX16):c.2598T>G (p.Asn866Lys)

Gene: DHX16 (DEAH-box helicase 16; minus strand). Cytogenetic location: 6p21.33.
Variant type: single nucleotide variant.
Coding change: c.2598T>G on transcript NM_003587.5 (MANE Select); coding-DNA position 2598, T replaced by G.
Protein change: p.Asn866Lys; replaces asparagine 866 with lysine.
Molecular consequence: missense variant.
Genome position (GRCh38, 1-based): chr6:30,655,498, A>C on the plus strand (T>G on the coding strand, the complement: DHX16 is on the minus strand). VCF-style: chr6-30655498-A-C. GRCh37 (hg19) VCF-style: chr6-30623275-A-C.
Other names: c.2418T>G, p.Asn806Lys (NM_001164239.2); c.1155T>G, p.Asn385Lys (NM_001363515.2); short protein forms N385K, N806K, N866K.
Identifiers: ClinVar variation 3767435 (VCV003767435.1).
Genomic context (GRCh38, chr6:30,655,498, plus strand): 5'-TGTGTAAACATTTAGCAGAACCAGGTGGTCACCGCCAGGGAGAAAGAAGTTGACACGGGC[A>C]TTGTCAGCATGGACGACCTTGTCCTTTGGTCGGTAGAAGATGGAGTTGTTGACAGAGAGC-3'
Protein context (NP_003578.2, residues 856-876): RPKDKVVHAD[Asn866Lys]ARVNFFLPGG

ClinVar aggregate classification (germline): Uncertain significance (1 of 4 stars; one submission).

Submission:

GeneDx
Classification: Uncertain significance. Last evaluated: 2024-09-05. Review status: criteria provided, single submitter. Criteria: GeneDx Variant Classification Process June 2021. Collection method: clinical testing. Allele origin: germline. Affected: yes.
Comment: Not observed at significant frequency in large population cohorts (gnomAD); In silico analysis supports that this missense variant has a deleterious effect on protein structure/function; Has not been previously published as pathogenic or benign to our knowledge.